The following is an entry in ClinVar:

NM_005876.5(SPEG):c.9099G>A (p.Arg3033=)

Genes: ASIC4-AS1 (ASIC4 antisense RNA 1; minus strand), SPEG (striated muscle enriched protein kinase; plus strand). Cytogenetic location: 2q35.
Variant type: single nucleotide variant.
Coding change: c.9099G>A on transcript NM_005876.5 (MANE Select); coding-DNA position 9099, G replaced by A.
Protein change: p.Arg3033=; no amino-acid change (arginine 3033 retained).
Molecular consequence: synonymous variant.
Genome position (GRCh38, 1-based): chr2:219,490,586, G>A. VCF-style: chr2-219490586-G-A. GRCh37 (hg19) VCF-style: chr2-220355308-G-A.
Other names: c.9099G>A (NM_005876.4).
Identifiers: ClinVar variation 1614205 (VCV001614205.10), dbSNP rs369513475, ClinGen allele CA2127675.
Genomic context (GRCh38, chr2:219,490,586, plus strand): 5'-GCTGCGGACCCTGCACCACGAGCGGATCATGTCCCTGCACGAGGCCTACATCACCCCTCG[G>A]TACCTCGTGCTCATTGCTGAGAGCTGTGGCAACCGGGAACTCCTCTGTGGGCTCAGTGAC-3'
Protein context (NP_005867.3, residues 3023-3043): MSLHEAYITP[Arg3033=]YLVLIAESCG

ClinVar aggregate classification (germline): Likely benign. Review status: criteria provided, single submitter (1 of 4 stars). 2 submissions from 2 submitters: Likely benign (1). 1 of the submissions does not count toward it. Last evaluated 2025-10-02.

Conditions:
SPEG-related disorder. Also called: SPEG-related condition.

Allele frequency attached by ClinVar (database versions not stated): TOPMed 0.00006; gnomAD 0.00007; ExAC 0.00008; gnomAD exomes 0.00008 and 0.00013; ESP Exome Variant Server 0.00016.
gnomAD v4.1: 192 of 1,613,838 alleles (0.012%); highest among the groups gnomAD compares: South Asian, 0.022%; no homozygotes.

Submissions (2):

Labcorp Genetics (formerly Invitae), Labcorp
Classification: Likely benign. Last evaluated: 2025-10-02. Review status: criteria provided, single submitter. Criteria: Invitae Variant Classification Sherloc (09022015). Collection method: clinical testing. Allele origin: germline.

PreventionGenetics, part of Exact Sciences
Classification: Likely benign for SPEG-related condition. Last evaluated: 2019-05-07. Review status: no assertion criteria provided. Collection method: clinical testing. Allele origin: germline. Not counted in ClinVar's aggregate classification.
Comment: This variant is classified as likely benign based on ACMG/AMP sequence variant interpretation guidelines (Richards et al. 2015 PMID: 25741868, with internal and published modifications).